The following is an entry in ClinVar:

ClinVar aggregate classification (germline): Uncertain significance (1 of 4 stars; one submission).

Submission:

Dasa
Classification: Uncertain significance. Last evaluated: 2024-10-21. Review status: criteria provided, single submitter. Criteria: DASA Assertion Criteria. Collection method: clinical testing. Allele origin: germline.
Comment: NM_001281740.3(FHOD3):c.2002A>T (p.Arg668Trp) is a missense variant that results in the substitution of arginine with tryptophan. This variant is absent from population databases. Computational prediction algorithms are consistent with a benign effect. The currently available literature and clinical evidence are not sufficient to establish a definitive association between this variant and the reported condition. Therefore, this variant is classified as a variant of uncertain significance.

NM_001281740.3(FHOD3):c.2002A>T (p.Arg668Trp)

Gene: FHOD3 (formin homology 2 domain containing 3; plus strand). Cytogenetic location: 18q12.2.
Variant type: single nucleotide variant.
Coding change: c.2002A>T on transcript NM_001281740.3 (MANE Select); coding-DNA position 2002, A replaced by T.
Protein change: p.Arg668Trp; replaces arginine 668 with tryptophan.
Molecular consequence: missense variant. On other transcripts: intron variant (1).
Genome position (GRCh38, 1-based): chr18:36,687,159, A>T. VCF-style: chr18-36687159-A-T. GRCh37 (hg19) VCF-style: chr18-34267122-A-T.
Other names: c.1477A>T, p.Arg493Trp (NM_025135.5); c.1445+5589A>T (NM_001281739.3); short protein forms R493W, R668W.
Identifiers: ClinVar variation 4883494 (VCV004883494.2).